The following is an entry in ClinVar:

NM_006941.4(SOX10):c.529C>T (p.Arg177Trp)

Genes: POLR2F (RNA polymerase II, I and III subunit F; plus strand), SOX10 (SRY-box transcription factor 10; minus strand). Cytogenetic location: 22q13.1.
Variant type: single nucleotide variant.
Coding change: c.529C>T on transcript NM_006941.4 (MANE Select); coding-DNA position 529, C replaced by T.
Protein change: p.Arg177Trp; replaces arginine 177 with tryptophan.
Molecular consequence: missense variant. On other transcripts: intron variant (3).
Genome position (GRCh38, 1-based): chr22:37,978,035, G>A on the plus strand (C>T on the coding strand, the complement: SOX10 is on the minus strand). VCF-style: chr22-37978035-G-A. GRCh37 (hg19) VCF-style: chr22-38374042-G-A.
Other names: c.*38+5725G>A (NM_001363825.1); c.294-8119G>A (NM_001301130.2); c.293+10865G>A (NM_001301131.2); short protein forms R177W.
Identifiers: ClinVar variation 3343927 (VCV003343927.2).

ClinVar aggregate classification (germline): Likely pathogenic (1 of 4 stars; one submission).

Submission:

GeneDx
Classification: Likely pathogenic. Last evaluated: 2026-01-27. Review status: criteria provided, single submitter. Criteria: GeneDx Variant Classification Process June 2021. Collection method: clinical testing. Allele origin: germline.
Comment: Observed in a patient with congenital hypogonadotropic hypogonadism in published literature (PMID: 34348883); however, clinical data was limited; Not observed at significant frequency in large population cohorts (gnomAD); In silico analysis supports that this missense variant has a deleterious effect on protein structure/function; This variant is associated with the following publications: (PMID: 35982159, 33057194, 34348883)